The following is an entry in ClinVar:

ClinVar aggregate classification (germline): Conflicting classifications of pathogenicity. Review status: criteria provided, conflicting classifications (1 of 4 stars). 2 submissions from 2 submitters: Pathogenic (1); Uncertain significance (1). Last evaluated 2026-03-25.

Conditions:
Intellectual developmental disorder, autosomal dominant 50, with behavioral abnormalities. Also called: MENTAL RETARDATION, AUTOSOMAL DOMINANT 50; Intellectual disability, autosomal dominant 50. Identifiers: MedGen C4540470, MONDO:0030916, OMIM 617787.

gnomAD v4.1: 1 of 1,579,514 alleles (0.000063%); highest among the groups gnomAD compares: South Asian, 0.0012%; no homozygotes.

Submissions (2):

GeneDx
Classification: Pathogenic. Last evaluated: 2026-03-25. Review status: criteria provided, single submitter. Criteria: GeneDx Variant Classification Process June 2021. Collection method: clinical testing. Allele origin: germline.
Comment: Nonsense variant predicted to result in protein truncation or nonsense mediated decay in a gene for which loss of function is a known mechanism of disease; Not observed at significant frequency in large population cohorts (gnomAD); Has not been previously published as pathogenic or benign to our knowledge

Juno Genomics, Hangzhou Juno Genomics, Inc
Classification: Uncertain significance for Intellectual developmental disorder, autosomal dominant 50, with behavioral abnormalities. Review status: criteria provided, single submitter. Criteria: ACMG Guidelines, 2015. Collection method: clinical testing. Allele origin: germline.
Comment: Absent from controls (or at extremely low frequency if recessive) in Genome Aggregation Database.;Null variant in a gene where loss of function (LOF) is a known mechanism of disease.;Observed in a healthy adult individual for a recessive/dominant/X-linked disorder with full penetrance.

NM_057175.5(NAA15):c.1921G>T (p.Glu641Ter)

Gene: NAA15 (N-alpha-acetyltransferase 15, NatA auxiliary subunit; plus strand). Cytogenetic location: 4q31.1.
Variant type: single nucleotide variant.
Coding change: c.1921G>T on transcript NM_057175.5 (MANE Select); coding-DNA position 1921, G replaced by T.
Protein change: p.Glu641Ter; replaces glutamic acid 641 with a stop codon.
Molecular consequence: nonsense.
Genome position (GRCh38, 1-based): chr4:139,370,378, G>T. VCF-style: chr4-139370378-G-T. GRCh37 (hg19) VCF-style: chr4-140291532-G-T.
Other names: c.1921G>T, p.Glu641Ter (NM_001410842.1); short protein forms E641*.
Identifiers: ClinVar variation 5017118 (VCV005017118.2).